The following is an entry in ClinVar:

NM_001267550.2(TTN):c.57112-4C>T

Genes: TTN (titin; minus strand), TTN-AS1 (TTN antisense RNA 1; plus strand). Cytogenetic location: 2q31.2.
Variant type: single nucleotide variant.
Coding change: c.57112-4C>T on transcript NM_001267550.2 (MANE Select); 4 bases into the intron before coding-DNA position 57112, C replaced by T.
Molecular consequence: intron variant.
Genome position (GRCh38, 1-based): chr2:178,598,062, G>A on the plus strand (C>T on the coding strand, the complement: TTN is on the minus strand). VCF-style: chr2-178598062-G-A. GRCh37 (hg19) VCF-style: chr2-179462789-G-A.
Other names: c.52189-4C>T (NM_001256850.1); c.29917-4C>T (NM_003319.4); c.30493-4C>T (NM_133437.4); c.30292-4C>T (NM_133432.3); c.49408-4C>T (NM_133378.4).
Identifiers: ClinVar variation 378824 (VCV000378824.27), dbSNP rs117072049, ClinGen allele CA1993094.

ClinVar aggregate classification (germline): Conflicting classifications of pathogenicity. Review status: criteria provided, conflicting classifications (1 of 4 stars). 11 submissions from 7 submitters: Uncertain significance (1); Benign (5); Likely benign (5). Last evaluated 2026-02-09.

Conditions:
TTN-related disorder. Also called: TTN-related disorders; TTN-related condition; TTN-related disease.
Autosomal recessive limb-girdle muscular dystrophy type 2J (LGMDR10). Also called: Limb-girdle muscular dystrophy, type 2J; MUSCULAR DYSTROPHY, LIMB-GIRDLE, AUTOSOMAL RECESSIVE 10. Identifiers: Orphanet 140922, MedGen C1837342, MONDO:0012127, OMIM 608807.
Dilated cardiomyopathy 1G (CMD1G). Identifiers: Orphanet 154, MedGen C1858763, MONDO:0011400, OMIM 604145.
Cardiovascular phenotype. Identifiers: MedGen CN230736.
Cardiomyopathy (CMYO). Also called: Cardiomyopathies. Identifiers: Orphanet 167848, MedGen C0878544, MONDO:0004994, HP:0001638. Inheritance: Various modes of inheritance.
Early-onset myopathy with fatal cardiomyopathy (CMYO5). Also called: Salih Myopathy; CONGENITAL MYOPATHY 5 WITH CARDIOMYOPATHY. Identifiers: Orphanet 289377, MedGen C2673677, MONDO:0012714, OMIM 611705. Disease mechanism: loss of function.
Tibial muscular dystrophy (TMD). Also called: UDD MYOPATHY; Tibial muscular dystrophy, tardive; Udd Distal Myopathy – Tibial Muscular Dystrophy. Identifiers: Orphanet 609, MedGen C1838244, MONDO:0010870, OMIM 600334.
Myopathy, myofibrillar, 9, with early respiratory failure (MFM9). Also called: Hereditary myopathy with early respiratory failure; MYOPATHY, PROXIMAL, WITH EARLY RESPIRATORY MUSCLE INVOLVEMENT; EDSTROM MYOPATHY; Myopathy, distal, with early respiratory failure, autosomal dominant. Identifiers: Orphanet 178464, Orphanet 34521, MedGen C1863599, MONDO:0011362, OMIM 603689.

Allele frequency attached by ClinVar (database versions not stated): gnomAD 0.00008 and 0.00019; TOPMed 0.00013; gnomAD exomes 0.00023 and 0.00030; ExAC 0.00027; 1000 Genomes Project 0.00060; 1000 Genomes Project 30x 0.00062.
gnomAD v4.1: 458 of 1,609,482 alleles (0.028%); highest among the groups gnomAD compares: East Asian, 1%; 4 homozygotes.

Submissions (11):

PreventionGenetics, part of Exact Sciences
Classification: Likely benign for TTN-related condition. Last evaluated: 2026-02-09. Review status: criteria provided, single submitter. Criteria: ACMG Guidelines, 2015. Collection method: clinical testing. Allele origin: germline.
Comment: This variant is classified as likely benign based on ACMG/AMP sequence variant interpretation guidelines (Richards et al. 2015 PMID: 25741868, with internal and published modifications).

Labcorp Genetics (formerly Invitae), Labcorp
Classification: Benign for Dilated cardiomyopathy 1G; Autosomal recessive limb-girdle muscular dystrophy type 2J. Last evaluated: 2026-02-03. Review status: criteria provided, single submitter. Criteria: Invitae Variant Classification Sherloc (09022015). Collection method: clinical testing. Allele origin: germline.

Blueprint Genetics
Classification: Likely benign. Last evaluated: 2024-08-26. Review status: criteria provided, single submitter. Criteria: ACMG Guidelines, 2015. Collection method: clinical testing. Allele origin: germline.

Ambry Genetics
Classification: Likely benign for Cardiovascular phenotype. Last evaluated: 2019-03-11. Review status: criteria provided, single submitter. Criteria: Ambry Variant Classification Scheme 2023. Collection method: clinical testing. Allele origin: germline.

GeneDx
Classification: Likely benign. Last evaluated: 2018-07-25. Review status: criteria provided, single submitter. Criteria: GeneDx Variant Classification Process June 2021. Collection method: clinical testing. Allele origin: germline. Affected: yes.

CHEO Genetics Diagnostic Laboratory, Children's Hospital of Eastern Ontario
Classification: Benign for Cardiomyopathy. Last evaluated: 2018-02-07. Review status: criteria provided, single submitter. Criteria: ACMG Guidelines, 2015. Collection method: clinical testing. Allele origin: germline.

Illumina Laboratory Services, Illumina
Classification: Likely benign for Early-onset myopathy with fatal cardiomyopathy. Last evaluated: 2017-06-12. Review status: criteria provided, single submitter. Criteria: ICSL Variant Classification Criteria 13 December 2019. Collection method: clinical testing. Allele origin: germline.
Comment: This variant was observed as part of a predisposition screen in an ostensibly healthy population. A literature search was performed for the gene, cDNA change, and amino acid change (where applicable). No publications were found based on this search. Allele frequency data from public databases allowed determination this variant is unlikely to cause disease. Therefore, this variant is classified as likely benign.

Illumina Laboratory Services, Illumina
Classification: Benign for Tibial muscular dystrophy. Last evaluated: 2017-06-12. Review status: criteria provided, single submitter. Criteria: ICSL Variant Classification Criteria 13 December 2019. Collection method: clinical testing. Allele origin: germline.
Comment: This variant was observed as part of a predisposition screen in an ostensibly healthy population. A literature search was performed for the gene, cDNA change, and amino acid change (where applicable). No publications were found based on this search. Allele frequency data from public databases was too high to be consistent with this variant causing disease. Therefore, this variant is classified as benign.

Illumina Laboratory Services, Illumina
Classification: Benign for Myopathy, myofibrillar, 9, with early respiratory failure. Last evaluated: 2017-06-12. Review status: criteria provided, single submitter. Criteria: ICSL Variant Classification Criteria 13 December 2019. Collection method: clinical testing. Allele origin: germline.
Comment: the same text as in the submission from Illumina Laboratory Services, Illumina above.

Illumina Laboratory Services, Illumina
Classification: Benign for Dilated cardiomyopathy 1G. Last evaluated: 2017-06-12. Review status: criteria provided, single submitter. Criteria: ICSL Variant Classification Criteria 13 December 2019. Collection method: clinical testing. Allele origin: germline.
Comment: This variant was observed as part of a predisposition screen in an ostensibly healthy population. A literature search was performed for the gene, cDNA change, and amino acid change (where applicable). Publications were found based on this search. The evidence from the literature, in combination with allele frequency data from public databases where available, was sufficient to rule this variant out of causing disease. Therefore, this variant is classified as benign.

Illumina Laboratory Services, Illumina
Classification: Uncertain significance for Autosomal recessive limb-girdle muscular dystrophy type 2J. Last evaluated: 2017-04-27. Review status: criteria provided, single submitter. Criteria: ICSL Variant Classification Criteria 13 December 2019. Collection method: clinical testing. Allele origin: germline.

Literature cited by the submitters: PubMed 25163546 (cited by Illumina Laboratory Services, Illumina).